The following is an entry in ClinVar:

ClinVar aggregate classification (germline): Uncertain significance (1 of 4 stars; one submission).

Conditions:
Jeune thoracic dystrophy. Also called: Jeune syndrome; Infantile thoracic dystrophy; Thoracic pelvic phalangeal dystrophy; Jeune's syndrome; Chondroectodermal dysplasia-like syndrome; Short-rib thoracic dysplasia. Identifiers: Orphanet 474, MedGen C0265275, MONDO:0018770.

Submission:

Labcorp Genetics (formerly Invitae), Labcorp
Classification: Uncertain significance for Jeune thoracic dystrophy. Last evaluated: 2023-05-03. Review status: criteria provided, single submitter. Criteria: Invitae Variant Classification Sherloc (09022015). Collection method: clinical testing. Allele origin: germline.
Comment: This variant is not present in population databases (gnomAD no frequency). In summary, the available evidence is currently insufficient to determine the role of this variant in disease. Therefore, it has been classified as a Variant of Uncertain Significance. Advanced modeling of protein sequence and biophysical properties (such as structural, functional, and spatial information, amino acid conservation, physicochemical variation, residue mobility, and thermodynamic stability) performed at Invitae indicates that this missense variant is not expected to disrupt DYNC2H1 protein function. This variant has not been reported in the literature in individuals affected with DYNC2H1-related conditions. This sequence change replaces alanine, which is neutral and non-polar, with valine, which is neutral and non-polar, at codon 2444 of the DYNC2H1 protein (p.Ala2444Val).

NM_001377.3(DYNC2H1):c.7331C>T (p.Ala2444Val)

Gene: DYNC2H1 (dynein cytoplasmic 2 heavy chain 1; plus strand). Cytogenetic location: 11q22.3.
Variant type: single nucleotide variant.
Coding change: c.7331C>T on transcript NM_001377.3 (MANE Select); coding-DNA position 7331, C replaced by T.
Protein change: p.Ala2444Val; replaces alanine 2444 with valine.
Molecular consequence: missense variant.
Genome position (GRCh38, 1-based): chr11:103,189,710, C>T. VCF-style: chr11-103189710-C-T. GRCh37 (hg19) VCF-style: chr11-103060439-C-T.
Other names: c.7331C>T, p.Ala2444Val (NM_001080463.2); short protein forms A2444V.
Identifiers: ClinVar variation 2861884 (VCV002861884.3), dbSNP rs2496303249, ClinGen allele CA382253753.